The following is an entry in ClinVar:

NM_007294.4(BRCA1):c.2236G>A (p.Asp746Asn)

Gene: BRCA1 (BRCA1 DNA repair associated; minus strand). Cytogenetic location: 17q21.31.
Variant type: single nucleotide variant.
Coding change: c.2236G>A on transcript NM_007294.4 (MANE Select); coding-DNA position 2236, G replaced by A.
Protein change: p.Asp746Asn; replaces aspartic acid 746 with asparagine.
Molecular consequence: missense variant. On other transcripts: intron variant (137).
Genome position (GRCh38, 1-based): chr17:43,093,295, C>T on the plus strand (G>A on the coding strand, the complement: BRCA1 is on the minus strand). VCF-style: chr17-43093295-C-T. GRCh37 (hg19) VCF-style: chr17-41245312-C-T.
Other names: c.2023G>A, p.Asp675Asn (NM_001407571.1, NM_001407853.1, NM_001407894.1 and 9 more transcripts); c.2236G>A, p.Asp746Asn (NM_001407581.1, NM_001407582.1, NM_001407583.1 and 30 more transcripts); c.2233G>A, p.Asp745Asn (NM_001407587.1, NM_001407590.1, NM_001407591.1 and 22 more transcripts); c.2227G>A, p.Asp743Asn (NM_001407646.1, NM_001407647.1); c.2113G>A, p.Asp705Asn (NM_001407648.1, NM_001407664.1, NM_001407665.1 and 19 more transcripts); c.2110G>A, p.Asp704Asn (NM_001407649.1, NM_001407670.1, NM_001407671.1 and 11 more transcripts); c.2158G>A, p.Asp720Asn (NM_001407653.1, NM_001407654.1, NM_001407655.1 and 4 more transcripts); c.2155G>A, p.Asp719Asn (NM_001407659.1, NM_001407660.1, NM_001407661.1 and 1 more transcripts); and 41 more; short protein forms D699N, D746N, D705N, D720N, D743N, D578N, D618N, D634N.
Identifiers: ClinVar variation 1019393 (VCV001019393.14), dbSNP rs876660267, ClinGen allele CA10597528.
Genomic context (GRCh38, chr17:43,093,295, plus strand): 5'-TCTCTACAGATCTTTCAGTTTGCAAAACCCTTTCTCCACTTAACATGAGATCTTTGGGGT[C>T]TTCAGCATTATTAGACACTTTAACTGTTTCTAGTTTCTCTTCTTTTTCTTCTCTTGGAAG-3'
Protein context (NP_009225.1, residues 736-756): ETVKVSNNAE[Asp746Asn]PKDLMLSGER

ClinVar aggregate classification (germline): Conflicting classifications of pathogenicity. Review status: criteria provided, conflicting classifications (1 of 4 stars). 4 submissions from 4 submitters: Uncertain significance (3); Likely benign (1). Last evaluated 2025-06-15.

Conditions:
Hereditary cancer-predisposing syndrome. Also called: Tumor predisposition; Neoplastic Syndromes, Hereditary; Hereditary neoplastic syndrome; Hereditary Cancer Syndrome. Identifiers: Orphanet 140162, MedGen C0027672, MeSH D009386, MONDO:0015356.
Hereditary breast ovarian cancer syndrome. Also called: BRCA1- and BRCA2-Associated Hereditary Breast and Ovarian Cancer; Hereditary breast and/or ovarian cancer syndrome; Hereditary breast and ovarian cancer syndrome; Hereditary breast and ovarian cancer; Hereditary breast and ovarian cancer syndrome (HBOC); Breast and ovarian cancer. Identifiers: Orphanet 145, MedGen C0677776, MeSH D061325, MONDO:0003582. Disease mechanism: loss of function.

Allele frequency attached by ClinVar (database versions not stated): TOPMed below 0.00001; gnomAD 0.00001.
gnomAD v4.1: 1 of 1,613,900 alleles (0.000062%); highest among the groups gnomAD compares: African/African-American, 0.0013%; no homozygotes.

Submissions (4):

GeneDx
Classification: Uncertain significance. Last evaluated: 2025-06-15. Review status: criteria provided, single submitter. Criteria: GeneDx Variant Classification Process June 2021. Collection method: clinical testing. Allele origin: germline. Affected: yes.
Comment: Not observed at significant frequency in large population cohorts (gnomAD); In silico analysis supports that this missense variant has a deleterious effect on protein structure/function; Has not been previously published as pathogenic or benign to our knowledge; Also known as 2355G>A; This variant is associated with the following publications: (PMID: 31911673, 10426999, 10792030, 15343273)

Ambry Genetics
Classification: Uncertain significance for Hereditary cancer-predisposing syndrome. Last evaluated: 2025-02-07. Review status: criteria provided, single submitter. Criteria: Ambry Variant Classification Scheme 2023. Collection method: clinical testing. Allele origin: germline.
Comment: The p.D746N variant (also known as c.2236G>A), located in coding exon 9 of the BRCA1 gene, results from a G to A substitution at nucleotide position 2236. The aspartic acid at codon 746 is replaced by asparagine, an amino acid with highly similar properties. This amino acid position is not well conserved in available vertebrate species. In addition, the in silico prediction for this alteration is inconclusive. Since supporting evidence is limited at this time, the clinical significance of this alteration remains unclear.

University of Washington Department of Laboratory Medicine, University of Washington
Classification: Likely benign for Hereditary cancer-predisposing syndrome. Last evaluated: 2023-03-23. Review status: criteria provided, single submitter. Criteria: Dines et al. (Genet Med. 2020). Collection method: curation. Allele origin: germline.
Comment: Missense variant in a coldspot region where missense variants are very unlikely to be pathogenic (PMID:31911673).

BRCA1 coldspot (exon 11 using historical exon numbering). Reclassification based on statistical prior probability

Labcorp Genetics (formerly Invitae), Labcorp
Classification: Uncertain significance for Hereditary breast ovarian cancer syndrome. Last evaluated: 2023-02-14. Review status: criteria provided, single submitter. Criteria: Invitae Variant Classification Sherloc (09022015). Collection method: clinical testing. Allele origin: germline.
Comment: This sequence change replaces aspartic acid, which is acidic and polar, with asparagine, which is neutral and polar, at codon 746 of the BRCA1 protein (p.Asp746Asn). This variant is not present in population databases (gnomAD no frequency). This variant has not been reported in the literature in individuals affected with BRCA1-related conditions. ClinVar contains an entry for this variant (Variation ID: 1019393). Advanced modeling of protein sequence and biophysical properties (such as structural, functional, and spatial information, amino acid conservation, physicochemical variation, residue mobility, and thermodynamic stability) performed at Invitae indicates that this missense variant is not expected to disrupt BRCA1 protein function. In summary, the available evidence is currently insufficient to determine the role of this variant in disease. Therefore, it has been classified as a Variant of Uncertain Significance.